The following is an entry in ClinVar:

NM_024642.5(GALNT12):c.869T>C (p.Val290Ala)

Gene: GALNT12 (polypeptide N-acetylgalactosaminyltransferase 12; plus strand). Cytogenetic location: 9q22.33.
Variant type: single nucleotide variant.
Coding change: c.869T>C on transcript NM_024642.5 (MANE Select); coding-DNA position 869, T replaced by C.
Protein change: p.Val290Ala; replaces valine 290 with alanine.
Molecular consequence: missense variant.
Genome position (GRCh38, 1-based): chr9:98,831,909, T>C. VCF-style: chr9-98831909-T-C. GRCh37 (hg19) VCF-style: chr9-101594191-T-C.
Other names: short protein forms V290A.
Identifiers: ClinVar variation 1764347 (VCV001764347.2), dbSNP rs2490518222, ClinGen allele CA374218255.

ClinVar aggregate classification (germline): Uncertain significance (1 of 4 stars; one submission).

Allele frequency attached by ClinVar (database versions not stated): gnomAD exomes below 0.00001.

Submission:

Ambry Genetics
Classification: Uncertain significance. Last evaluated: 2022-09-16. Review status: criteria provided, single submitter. Criteria: Ambry Variant Classification Scheme 2023. Collection method: clinical testing. Allele origin: germline.
Comment: The p.V290A variant (also known as c.869T>C), located in coding exon 4 of the GALNT12 gene, results from a T to C substitution at nucleotide position 869. The valine at codon 290 is replaced by alanine, an amino acid with similar properties. This amino acid position is conserved. In addition, the in silico prediction for this alteration is inconclusive. Since supporting evidence is limited at this time, the clinical significance of this alteration remains unclear.